The following is an entry in ClinVar:

ClinVar aggregate classification (germline): Uncertain significance. Review status: criteria provided, multiple submitters, no conflicts (2 of 4 stars). 3 submissions from 3 submitters: Uncertain significance (2). 1 of the submissions does not count toward it. Last evaluated 2025-04-06.

Conditions:
Glycogen storage disease, type II (IOPD). Also called: CARDIOMEGALIA GLYCOGENICA DIFFUSA; GLYCOGENOSIS, GENERALIZED, CARDIAC FORM; GSD II; Glycogen storage disease type 2; Acid maltase deficiency disease; Aglucosidase alfa. Identifiers: Orphanet 365, MedGen C0017921, MONDO:0009290, OMIM 232300.

Allele frequency attached by ClinVar (database versions not stated): gnomAD exomes below 0.00001; TOPMed 0.00001.
gnomAD v4.1: 1 of 1,613,298 alleles (0.000062%); highest among the groups gnomAD compares: Admixed American, 0.0017%; no homozygotes.

Submissions (3):

Labcorp Genetics (formerly Invitae), Labcorp
Classification: Uncertain significance for Glycogen storage disease, type II. Last evaluated: 2025-04-06. Review status: criteria provided, single submitter. Criteria: Invitae Variant Classification Sherloc (09022015). Collection method: clinical testing. Allele origin: germline.
Comment: This sequence change replaces tyrosine, which is neutral and polar, with histidine, which is basic and polar, at codon 458 of the GAA protein (p.Tyr458His). This variant is not present in population databases (gnomAD no frequency). This variant has not been reported in the literature in individuals affected with GAA-related conditions. ClinVar contains an entry for this variant (Variation ID: 566346). Invitae Evidence Modeling of protein sequence and biophysical properties (such as structural, functional, and spatial information, amino acid conservation, physicochemical variation, residue mobility, and thermodynamic stability) indicates that this missense variant is expected to disrupt GAA protein function with a positive predictive value of 95%. In summary, the available evidence is currently insufficient to determine the role of this variant in disease. Therefore, it has been classified as a Variant of Uncertain Significance.

Revvity Omics, Revvity
Classification: Uncertain significance. Last evaluated: 2023-11-14. Review status: criteria provided, single submitter. Criteria: ACMG Guidelines, 2015. Collection method: clinical testing. Allele origin: germline.

Natera, Inc.
Classification: Uncertain significance for Glycogen storage disease type II. Last evaluated: 2021-02-03. Review status: no assertion criteria provided. Collection method: clinical testing. Allele origin: germline. Not counted in ClinVar's aggregate classification.

NM_000152.5(GAA):c.1372T>C (p.Tyr458His)

Gene: GAA (alpha glucosidase; plus strand). Cytogenetic location: 17q25.3.
Variant type: single nucleotide variant.
Coding change: c.1372T>C on transcript NM_000152.5 (MANE Select); coding-DNA position 1372, T replaced by C.
Protein change: p.Tyr458His; replaces tyrosine 458 with histidine.
Molecular consequence: missense variant.
Genome position (GRCh38, 1-based): chr17:80,109,990, T>C. VCF-style: chr17-80109990-T-C. GRCh37 (hg19) VCF-style: chr17-78083789-T-C.
Other names: c.1372T>C (LRG_673t1); c.1372T>C, p.Tyr458His (NM_001079803.3, NM_001079804.3); short protein forms Y458H.
Identifiers: ClinVar variation 566346 (VCV000566346.14), dbSNP rs1567832012, ClinGen allele CA401366421.